The following is an entry in ClinVar:

ClinVar aggregate classification (germline): Uncertain significance (1 of 4 stars; one submission).

Conditions:
EGFR-related lung cancer (EGFR). Identifiers: MedGen CN130014.

Submission:

Labcorp Genetics (formerly Invitae), Labcorp
Classification: Uncertain significance for EGFR-related lung cancer. Last evaluated: 2024-07-16. Review status: criteria provided, single submitter. Criteria: Invitae Variant Classification Sherloc (09022015). Collection method: clinical testing. Allele origin: germline.
Comment: This sequence change replaces threonine, which is neutral and polar, with alanine, which is neutral and non-polar, at codon 751 of the EGFR protein (p.Thr751Ala). This variant is not present in population databases (gnomAD no frequency). This variant has not been reported in the literature in individuals affected with EGFR-related conditions. Advanced modeling of protein sequence and biophysical properties (such as structural, functional, and spatial information, amino acid conservation, physicochemical variation, residue mobility, and thermodynamic stability) performed at Invitae indicates that this missense variant is not expected to disrupt EGFR protein function with a negative predictive value of 80%. In summary, the available evidence is currently insufficient to determine the role of this variant in disease. Therefore, it has been classified as a Variant of Uncertain Significance.

NM_005228.5(EGFR):c.2251A>G (p.Thr751Ala)

Gene: EGFR (epidermal growth factor receptor; plus strand). Cytogenetic location: 7p11.2.
Variant type: single nucleotide variant.
Coding change: c.2251A>G on transcript NM_005228.5 (MANE Select); coding-DNA position 2251, A replaced by G.
Protein change: p.Thr751Ala; replaces threonine 751 with alanine.
Molecular consequence: missense variant.
Genome position (GRCh38, 1-based): chr7:55,174,788, A>G. VCF-style: chr7-55174788-A-G. GRCh37 (hg19) VCF-style: chr7-55242481-A-G.
Other names: c.2116A>G, p.Thr706Ala (NM_001346897.2, NM_001346899.2); c.2251A>G, p.Thr751Ala (NM_001346898.2); c.2092A>G, p.Thr698Ala (NM_001346900.2); c.1450A>G, p.Thr484Ala (NM_001346941.2); short protein forms T706A, T484A, T751A, T698A.
Identifiers: ClinVar variation 3631198 (VCV003631198.2).